The following is an entry in ClinVar:

NM_003632.3(CNTNAP1):c.3588G>A (p.Pro1196=)

Gene: CNTNAP1 (contactin associated protein 1; plus strand). Cytogenetic location: 17q21.2.
Variant type: single nucleotide variant.
Coding change: c.3588G>A on transcript NM_003632.3 (MANE Select); coding-DNA position 3588, G replaced by A.
Protein change: p.Pro1196=; no amino-acid change (proline 1196 retained).
Molecular consequence: synonymous variant.
Genome position (GRCh38, 1-based): chr17:42,697,573, G>A. VCF-style: chr17-42697573-G-A. GRCh37 (hg19) VCF-style: chr17-40849591-G-A.
Identifiers: ClinVar variation 773752 (VCV000773752.37), dbSNP rs142952244, ClinGen allele CA8582407.

ClinVar aggregate classification (germline): Likely benign. Review status: criteria provided, multiple submitters, no conflicts (2 of 4 stars). 2 submissions from 2 submitters: Likely benign (2). Last evaluated 2026-01-05.

Allele frequency attached by ClinVar (database versions not stated): gnomAD exomes 0.00121 and 0.00162; ESP Exome Variant Server 0.00246; 1000 Genomes Project 0.00040; 1000 Genomes Project 30x 0.00062; gnomAD 0.00109 and 0.00119; TOPMed 0.00111; ExAC 0.00119.
gnomAD v4.1: 2,526 of 1,613,990 alleles (0.16%); highest among the groups gnomAD compares: Non-Finnish European, 0.18%; 5 homozygotes.

Submissions (2):

Labcorp Genetics (formerly Invitae), Labcorp
Classification: Likely benign. Last evaluated: 2026-01-05. Review status: criteria provided, single submitter. Criteria: Invitae Variant Classification Sherloc (09022015). Collection method: clinical testing. Allele origin: germline.

CeGaT Center for Human Genetics Tuebingen
Classification: Likely benign. Last evaluated: 2026-01-01. Review status: criteria provided, single submitter. Criteria: CeGaT Center For Human Genetics Tuebingen Variant Classification Criteria Version 2. Collection method: clinical testing. Allele origin: germline. Affected: yes. Observed: 6 variant alleles.
Comment: CNTNAP1: BP4, BP7